The following is an entry in ClinVar:

ClinVar aggregate classification (germline): Conflicting classifications of pathogenicity. Review status: criteria provided, conflicting classifications (1 of 4 stars). 3 submissions from 3 submitters: Likely pathogenic (1); Uncertain significance (2). Last evaluated 2026-05-29.

Conditions:
Epilepsy, early-onset, vitamin B6-dependent. Also called: EPILEPSY, EARLY-ONSET, 1, VITAMIN B6-DEPENDENT; PLPBP Deficiency. Identifiers: MedGen C4310632, MONDO:0015005, OMIM 617290.
Inborn genetic diseases. Identifiers: MedGen C0950123, MeSH D030342.

Allele frequency attached by ClinVar (database versions not stated): gnomAD 0.00009; gnomAD exomes 0.00029; ExAC 0.00010; TOPMed 0.00009.
gnomAD v4.1: 438 of 1,610,580 alleles (0.027%); highest among the groups gnomAD compares: Non-Finnish European, 0.036%; no homozygotes.

Submissions (3):

Victorian Clinical Genetics Services, Murdoch Childrens Research Institute
Classification: Likely pathogenic for Epilepsy, early-onset, vitamin B6-dependent. Last evaluated: 2026-05-29. Review status: criteria provided, single submitter. Criteria: ACMG Guidelines, 2015. Collection method: clinical testing. Allele origin: germline. Affected: yes.
Comment: This variant is classified as Likely pathogenic. Evidence in support of pathogenic classification: Variant is present in gnomAD <0.01 for a recessive condition (v4: 438 heterozygote(s), 0 homozygote(s)); Another missense variant comparable to the one identified in this case has limited previous evidence for pathogenicity. The p.(Ile94Phe) variant has been reported in the literature in a homozygous state in an individual with epilepsy and bilateral syndactyly (PMID: 30668673); Missense variant predicted to be damaging by in silico tool(s) or highly conserved with a major amino acid change; Strong phenotype match for this individual. Additional information: Variant is predicted to result in a missense amino acid change from isoleucine to threonine; This variant is heterozygous; This gene is associated with autosomal recessive disease; Previous evidence of pathogenicity for this variant is inconclusive. This variant has been classified as a VUS by clinical laboratories in ClinVar; No published functional evidence has been identified for this variant; Variant is located in the annotated alanine racemase, N-terminal domain (DECIPHER); Loss of function is a known mechanism of disease in this gene and is associated with epilepsy, early-onset, vitamin B6-dependent (MIM#617290); Heterozygous variant suspected to be in trans with a second LIKELY PATHOGENIC heterozygous variant (NM_007198.4(PLPBP):c.676T>C; p.(Ser226Pro)) in a recessive disease. Inheritance information for this variant is not currently available in this individual.

Labcorp Genetics (formerly Invitae), Labcorp
Classification: Uncertain significance. Last evaluated: 2022-08-20. Review status: criteria provided, single submitter. Criteria: Invitae Variant Classification Sherloc (09022015). Collection method: clinical testing. Allele origin: germline.
Comment: This sequence change replaces isoleucine, which is neutral and non-polar, with threonine, which is neutral and polar, at codon 94 of the PROSC protein (p.Ile94Thr). This variant is present in population databases (rs201316839, gnomAD 0.03%). This variant has not been reported in the literature in individuals affected with PROSC-related conditions. Algorithms developed to predict the effect of missense changes on protein structure and function (SIFT, PolyPhen-2, Align-GVGD) all suggest that this variant is likely to be disruptive. In summary, the available evidence is currently insufficient to determine the role of this variant in disease. Therefore, it has been classified as a Variant of Uncertain Significance.

Ambry Genetics
Classification: Uncertain significance for Inborn genetic diseases. Last evaluated: 2021-06-18. Review status: criteria provided, single submitter. Criteria: Ambry Variant Classification Scheme 2023. Collection method: clinical testing. Allele origin: germline.

Literature cited by the submitters: PubMed 30668673 (cited by Victorian Clinical Genetics Services, Murdoch Childrens Research Institute).

NM_007198.4(PLPBP):c.281T>C (p.Ile94Thr)

Gene: PLPBP (pyridoxal phosphate binding protein; plus strand). Cytogenetic location: 8p11.23.
Variant type: single nucleotide variant.
Coding change: c.281T>C on transcript NM_007198.4 (MANE Select); coding-DNA position 281, T replaced by C.
Protein change: p.Ile94Thr; replaces isoleucine 94 with threonine.
Molecular consequence: missense variant.
Genome position (GRCh38, 1-based): chr8:37,766,317, T>C. VCF-style: chr8-37766317-T-C. GRCh37 (hg19) VCF-style: chr8-37623835-T-C.
Other names: c.281T>C, p.Ile94Thr (NM_001349346.2); c.275T>C, p.Ile92Thr (NM_001349347.2); c.125T>C, p.Ile42Thr (NM_001349348.2); c.386T>C, p.Ile129Thr (NM_001349349.1); c.281T>C (NM_007198.3); short protein forms I94T, I129T, I92T, I42T.
Identifiers: ClinVar variation 2170415 (VCV002170415.5), dbSNP rs201316839, ClinGen allele CA4711192.
Genomic context (GRCh38, chr8:37,766,317, plus strand): 5'-CATGGTTACCTTTTTCCCCTCAGATTCTGTCTTTGTGTCCTGAGATCAAATGGCACTTCA[T>C]TGGCCACCTACAGAAACAAAATGTCAACAAATTGATGGGTAAGATAAAATTAAATATGAA-3'
Protein context (NP_009129.1, residues 84-104): SLCPEIKWHF[Ile94Thr]GHLQKQNVNK